The following is an entry in ClinVar:

ClinVar aggregate classification (germline): Likely pathogenic (1 of 4 stars; one submission).

Conditions:
Charcot-Marie-Tooth disease type 2. Also called: Charcot-Marie-Tooth type 2. Identifiers: Orphanet 64746, MedGen C0270914, MONDO:0018993.

Submission:

Labcorp Genetics (formerly Invitae), Labcorp
Classification: Likely pathogenic for Charcot-Marie-Tooth disease type 2. Last evaluated: 2022-05-28. Review status: criteria provided, single submitter. Criteria: Invitae Variant Classification Sherloc (09022015). Collection method: clinical testing. Allele origin: germline.
Comment: In summary, the currently available evidence indicates that the variant is pathogenic, but additional data are needed to prove that conclusively. Therefore, this variant has been classified as Likely Pathogenic. Algorithms developed to predict the effect of sequence changes on RNA splicing suggest that this variant may create or strengthen a splice site. Advanced modeling of protein sequence and biophysical properties (such as structural, functional, and spatial information, amino acid conservation, physicochemical variation, residue mobility, and thermodynamic stability) performed at Invitae indicates that this missense variant is expected to disrupt MFN2 protein function. ClinVar contains an entry for this variant (Variation ID: 1358421). This missense change has been observed in individuals with clinical features of autosomal dominant Charcot-Marie-Tooth disease (Invitae). This variant is not present in population databases (gnomAD no frequency). This sequence change replaces leucine, which is neutral and non-polar, with glutamine, which is neutral and polar, at codon 134 of the MFN2 protein (p.Leu134Gln).

NM_014874.4(MFN2):c.401T>A (p.Leu134Gln)

Gene: MFN2 (mitofusin 2; plus strand). Cytogenetic location: 1p36.22.
Variant type: single nucleotide variant.
Coding change: c.401T>A on transcript NM_014874.4 (MANE Select); coding-DNA position 401, T replaced by A.
Protein change: p.Leu134Gln; replaces leucine 134 with glutamine.
Molecular consequence: missense variant.
Genome position (GRCh38, 1-based): chr1:11,996,245, T>A. VCF-style: chr1-11996245-T-A. GRCh37 (hg19) VCF-style: chr1-12056302-T-A.
Other names: c.401T>A, p.Leu134Gln (NM_001127660.2); short protein forms L134Q.
Identifiers: ClinVar variation 1358421 (VCV001358421.8), dbSNP rs2100822581, ClinGen allele CA338434725.